The following is an entry in ClinVar:

NM_022124.6(CDH23):c.145+1G>T

Gene: CDH23 (cadherin related 23; plus strand). Cytogenetic location: 10q22.1.
Variant type: single nucleotide variant.
Coding change: c.145+1G>T on transcript NM_022124.6 (MANE Select); the canonical splice donor site of the intron after coding-DNA position 145, G replaced by T.
Molecular consequence: splice donor variant.
Genome position (GRCh38, 1-based): chr10:71,446,396, G>T. VCF-style: chr10-71446396-G-T. GRCh37 (hg19) VCF-style: chr10-73206153-G-T.
Other names: c.145+1G>T (NM_001171930.2, NM_001171931.2, NM_052836.4 and 1 more transcripts).
Identifiers: ClinVar variation 964846 (VCV000964846.9), dbSNP rs1850169561, ClinGen allele CA377114957.
Genomic context (GRCh38, chr10:71,446,396, plus strand): 5'-CCTTCTTCACCAACCACTTCTTTGATACATACCTGCTGATCAGCGAGGACACGCCTGTGG[G>T]TGAGTGGGGGCATGGGCTGGTGGGCGTGCAGATGGCCTGGGGTGCAATCCCTTCCCACAA-3'

ClinVar aggregate classification (germline): Likely pathogenic. Review status: criteria provided, multiple submitters, no conflicts (2 of 4 stars). 2 submissions from 2 submitters: Likely pathogenic (2). Last evaluated 2024-12-02.

Conditions:
Autosomal recessive nonsyndromic hearing loss 12. Also called: DEAFNESS, AUTOSOMAL RECESSIVE 12. Identifiers: Orphanet 90636, MedGen C1832394, MONDO:0011067, OMIM 601386.
Usher syndrome type 1D (USH1D). Also called: USHER SYNDROME, TYPE ID. Identifiers: Orphanet 231169, Orphanet 886, MedGen C1832845, MONDO:0010984, OMIM 601067.
Pituitary adenoma 5, multiple types. Identifiers: MedGen C4539685, MONDO:0054601, OMIM 617540.

Submissions (2):

Labcorp Genetics (formerly Invitae), Labcorp
Classification: Likely pathogenic. Last evaluated: 2024-12-02. Review status: criteria provided, single submitter. Criteria: Invitae Variant Classification Sherloc (09022015). Collection method: clinical testing. Allele origin: germline.
Comment: This sequence change affects a donor splice site in intron 3 of the CDH23 gene. It is expected to disrupt RNA splicing. Variants that disrupt the donor or acceptor splice site typically lead to a loss of protein function (PMID: 16199547), and loss-of-function variants in CDH23 are known to be pathogenic (PMID: 11138009, 21940737). This variant is not present in population databases (gnomAD no frequency). This variant has not been reported in the literature in individuals affected with CDH23-related conditions. ClinVar contains an entry for this variant (Variation ID: 964846). Algorithms developed to predict the effect of sequence changes on RNA splicing suggest that this variant may disrupt the consensus splice site. In summary, the currently available evidence indicates that the variant is pathogenic, but additional data are needed to prove that conclusively. Therefore, this variant has been classified as Likely Pathogenic.

Fulgent Genetics
Classification: Likely pathogenic for Usher syndrome type 1D; Autosomal recessive nonsyndromic hearing loss 12; Pituitary adenoma 5, multiple types. Last evaluated: 2024-02-10. Review status: criteria provided, single submitter. Criteria: ACMG Guidelines, 2015. Collection method: clinical testing. Allele origin: germline.

Literature cited by the submitters: PubMed 16199547 (cited by Labcorp Genetics (formerly Invitae), Labcorp); PubMed 11138009 (cited by Labcorp Genetics (formerly Invitae), Labcorp); PubMed 21940737 (cited by Labcorp Genetics (formerly Invitae), Labcorp).